The following is an entry in ClinVar:

ClinVar aggregate classification (germline): Conflicting classifications of pathogenicity. Review status: criteria provided, conflicting classifications (1 of 4 stars). 7 submissions from 7 submitters: Uncertain significance (1); Likely benign (6). Last evaluated 2026-03-27.

Conditions:
Cardiovascular phenotype. Identifiers: MedGen CN230736.
Brugada syndrome 8 (BRGDA8). Identifiers: Orphanet 130, MedGen C2751083, MONDO:0013148, OMIM 613123.
Sick sinus syndrome 2, autosomal dominant (SSS2). Also called: ATRIAL FIBRILLATION WITH BRADYARRHYTHMIA; SICK SINUS SYNDROME 2; SICK SINUS SYNDROME 2 WITH OR WITHOUT CARDIAC NONCOMPACTION AND/OR ASCENDING AORTA DILATION; SINUS BRADYCARDIA SYNDROME, FAMILIAL, AUTOSOMAL DOMINANT; SINUS NODE DISEASE, FAMILIAL, AUTOSOMAL DOMINANT. Identifiers: Orphanet 166282, MedGen C1834144, MONDO:0008102, OMIM 163800.

Allele frequency attached by ClinVar (database versions not stated): TOPMed 0.00008; gnomAD exomes 0.00010; ExAC 0.00012; gnomAD 0.00013; ESP Exome Variant Server 0.00015.
gnomAD v4.1: 120 of 1,613,924 alleles (0.0074%); highest among the groups gnomAD compares: Middle Eastern, 0.016%; no homozygotes.

Submissions (7):

Molecular Diagnostic Laboratory for Inherited Cardiovascular Disease, Montreal Heart Institute
Classification: Likely benign. Last evaluated: 2026-03-27. Review status: criteria provided, single submitter. Criteria: ACMG Guidelines, 2015. Collection method: clinical testing. Allele origin: germline. Affected: no.
Comment: BS1;BP7

Labcorp Genetics (formerly Invitae), Labcorp
Classification: Likely benign for Brugada syndrome 8. Last evaluated: 2026-01-28. Review status: criteria provided, single submitter. Criteria: Invitae Variant Classification Sherloc (09022015). Collection method: clinical testing. Allele origin: germline.

Blueprint Genetics
Classification: Likely benign. Last evaluated: 2024-09-18. Review status: criteria provided, single submitter. Criteria: ACMG Guidelines, 2015. Collection method: clinical testing. Allele origin: germline.

GeneDx
Classification: Likely benign. Last evaluated: 2020-10-16. Review status: criteria provided, single submitter. Criteria: GeneDx Variant Classification Process June 2021. Collection method: clinical testing. Allele origin: germline. Affected: yes.

Ambry Genetics
Classification: Likely benign for Cardiovascular phenotype. Last evaluated: 2019-03-20. Review status: criteria provided, single submitter. Criteria: Ambry Variant Classification Scheme 2023. Collection method: clinical testing. Allele origin: germline.

Illumina Laboratory Services, Illumina
Classification: Likely benign for Sick sinus syndrome 2, autosomal dominant. Last evaluated: 2018-01-13. Review status: criteria provided, single submitter. Criteria: ICSL Variant Classification Criteria 13 December 2019. Collection method: clinical testing. Allele origin: germline.
Comment: This variant was observed in the ICSL laboratory as part of a predisposition screen in an ostensibly healthy population. It had not been previously curated by ICSL or reported in the Human Gene Mutation Database (HGMD: prior to June 1st, 2018), and was therefore a candidate for classification through an automated scoring system. Utilizing variant allele frequency, disease prevalence and penetrance estimates, and inheritance mode, an automated score was calculated to assess if this variant is too frequent to cause the disease. Based on the score and internal cut-off values, a variant classified as likely benign is not then subjected to further curation. The score for this variant resulted in a classification of likely benign for this disease.

Eurofins Ntd Llc (ga)
Classification: Uncertain significance. Last evaluated: 2017-01-09. Review status: criteria provided, single submitter. Criteria: EGL Classification Definitions 2015. Collection method: clinical testing. Allele origin: germline. Observed: 1 variant allele, 1 heterozygote.

NM_005477.3(HCN4):c.2025C>T (p.Ala675=)

Gene: HCN4 (hyperpolarization activated cyclic nucleotide gated potassium channel 4; minus strand). Cytogenetic location: 15q24.1.
Variant type: single nucleotide variant.
Coding change: c.2025C>T on transcript NM_005477.3 (MANE Select); coding-DNA position 2025, C replaced by T.
Protein change: p.Ala675=; no amino-acid change (alanine 675 retained).
Molecular consequence: synonymous variant.
Genome position (GRCh38, 1-based): chr15:73,324,207, G>A on the plus strand (C>T on the coding strand, the complement: HCN4 is on the minus strand). VCF-style: chr15-73324207-G-A. GRCh37 (hg19) VCF-style: chr15-73616548-G-A.
Identifiers: ClinVar variation 499412 (VCV000499412.26), dbSNP rs149033101, ClinGen allele CA7649137.